The following is an entry in ClinVar:

ClinVar aggregate classification (germline): Uncertain significance (1 of 4 stars; one submission).

Submission:

CeGaT Center for Human Genetics Tuebingen
Classification: Uncertain significance. Last evaluated: 2026-03-01. Review status: criteria provided, single submitter. Criteria: CeGaT Center For Human Genetics Tuebingen Variant Classification Criteria Version 2. Collection method: clinical testing. Allele origin: germline. Affected: yes. Observed: 1 variant allele.
Comment: IGBP1: PM2, BP4

NM_001551.3(IGBP1):c.500A>C (p.Glu167Ala)

Gene: IGBP1 (immunoglobulin binding protein 1; plus strand). Cytogenetic location: Xq13.1.
Variant type: single nucleotide variant.
Coding change: c.500A>C on transcript NM_001551.3 (MANE Select); coding-DNA position 500, A replaced by C.
Protein change: p.Glu167Ala; replaces glutamic acid 167 with alanine.
Molecular consequence: missense variant. On other transcripts: non-coding transcript variant (1), intron variant (1).
Genome position (GRCh38, 1-based): chrX:70,146,650, A>C. VCF-style: chrX-70146650-A-C. GRCh37 (hg19) VCF-style: chrX-69366500-A-C.
Other names: c.500A>C, p.Glu167Ala (NM_001370192.1, NM_001370193.1); c.483-3560A>C (NM_001370194.1); short protein forms E167A.
Identifiers: ClinVar variation 4823785 (VCV004823785.4).